The following is an entry in ClinVar:

ClinVar aggregate classification (germline): Uncertain significance. Review status: criteria provided, multiple submitters, no conflicts (2 of 4 stars). 2 submissions from 2 submitters: Uncertain significance (2). Last evaluated 2024-07-29.

Conditions:
Retinoblastoma (RB1). Also called: RETINOBLASTOMA, SOMATIC. Identifiers: Orphanet 790, MedGen C0035335, MeSH D012175, MONDO:0008380, OMIM 180200, HP:0009919. Disease mechanism: loss of function. Inheritance: Both sporadic and heritable forms are tested..
Hereditary cancer-predisposing syndrome. Also called: Hereditary Cancer Syndrome; Hereditary neoplastic syndrome; Tumor predisposition; Neoplastic Syndromes, Hereditary. Identifiers: Orphanet 140162, MedGen C0027672, MeSH D009386, MONDO:0015356.

Submissions (2):

Ambry Genetics
Classification: Uncertain significance for Hereditary cancer-predisposing syndrome. Last evaluated: 2024-07-29. Review status: criteria provided, single submitter. Criteria: Ambry Variant Classification Scheme 2023. Collection method: clinical testing. Allele origin: germline.
Comment: The p.F636L variant (also known as c.1908C>G), located in coding exon 19 of the RB1 gene, results from a C to G substitution at nucleotide position 1908. The phenylalanine at codon 636 is replaced by leucine, an amino acid with highly similar properties. This amino acid position is conserved. In addition, this alteration is predicted to be tolerated by in silico analysis. Based on the available evidence, the clinical significance of this variant remains unclear.

Labcorp Genetics (formerly Invitae), Labcorp
Classification: Uncertain significance for Retinoblastoma. Last evaluated: 2023-02-14. Review status: criteria provided, single submitter. Criteria: Invitae Variant Classification Sherloc (09022015). Collection method: clinical testing. Allele origin: germline.
Comment: Advanced modeling of protein sequence and biophysical properties (such as structural, functional, and spatial information, amino acid conservation, physicochemical variation, residue mobility, and thermodynamic stability) performed at Invitae indicates that this missense variant is not expected to disrupt RB1 protein function. This sequence change replaces phenylalanine, which is neutral and non-polar, with leucine, which is neutral and non-polar, at codon 636 of the RB1 protein (p.Phe636Leu). This variant is not present in population databases (gnomAD no frequency). This variant has not been reported in the literature in individuals affected with RB1-related conditions. ClinVar contains an entry for this variant (Variation ID: 1398754). In summary, the available evidence is currently insufficient to determine the role of this variant in disease. Therefore, it has been classified as a Variant of Uncertain Significance.

NM_000321.3(RB1):c.1908C>G (p.Phe636Leu)

Gene: RB1 (RB transcriptional corepressor 1; plus strand). Cytogenetic location: 13q14.2.
Variant type: single nucleotide variant.
Coding change: c.1908C>G on transcript NM_000321.3 (MANE Select); coding-DNA position 1908, C replaced by G.
Protein change: p.Phe636Leu; replaces phenylalanine 636 with leucine.
Molecular consequence: missense variant.
Genome position (GRCh38, 1-based): chr13:48,456,297, C>G. VCF-style: chr13-48456297-C-G. GRCh37 (hg19) VCF-style: chr13-49030433-C-G.
Other names: c.1908C>G (NM_000321.2); short protein forms F636L.
Identifiers: ClinVar variation 1398754 (VCV001398754.7), dbSNP rs2138331404, ClinGen allele CA388166088.